The following is an entry in ClinVar:

NM_013432.5(TONSL):c.1564-2A>G

Genes: TONSL (tonsoku like, DNA repair protein; minus strand), TONSL-AS1 (TONSL antisense RNA 1; plus strand). Cytogenetic location: 8q24.3.
Variant type: single nucleotide variant.
Coding change: c.1564-2A>G on transcript NM_013432.5 (MANE Select); the canonical splice acceptor site of the intron before coding-DNA position 1564, A replaced by G.
Molecular consequence: splice acceptor variant.
Genome position (GRCh38, 1-based): chr8:144,438,562, T>C on the plus strand (A>G on the coding strand, the complement: TONSL is on the minus strand). VCF-style: chr8-144438562-T-C. GRCh37 (hg19) VCF-style: chr8-145663945-T-C.
Identifiers: ClinVar variation 1469169 (VCV001469169.8), dbSNP rs943635209, ClinGen allele CA187672369.
Genomic context (GRCh38, chr8:144,438,562, plus strand): 5'-TGGCCCTCGATGCAGGCTCGGTGCAGCAGGGTCTCCCCCATGTCGTTTCGCCGGTTCCAC[T>C]GTGGGCACAGCCAACCCAGCACAGGGCAGGGGCGTGAGGAGCTGGCAGGGCTGCTGAGCG-3'

ClinVar aggregate classification (germline): Likely pathogenic (1 of 4 stars; one submission).

Allele frequency attached by ClinVar (database versions not stated): gnomAD exomes below 0.00001 and 0.00001; TOPMed below 0.00001; gnomAD 0.00001.
gnomAD v4.1: 13 of 1,612,682 alleles (0.00081%); highest among the groups gnomAD compares: African/African-American, 0.0013%; no homozygotes.

Submission:

Labcorp Genetics (formerly Invitae), Labcorp
Classification: Likely pathogenic. Last evaluated: 2024-02-24. Review status: criteria provided, single submitter. Criteria: Invitae Variant Classification Sherloc (09022015). Collection method: clinical testing. Allele origin: germline.
Comment: This sequence change affects an acceptor splice site in intron 12 of the TONSL gene. It is expected to disrupt RNA splicing. Variants that disrupt the donor or acceptor splice site typically lead to a loss of protein function (PMID: 16199547), and loss-of-function variants in TONSL are known to be pathogenic (PMID: 30773277). This variant is not present in population databases (gnomAD no frequency). This variant has not been reported in the literature in individuals affected with TONSL-related conditions. ClinVar contains an entry for this variant (Variation ID: 1469169). Algorithms developed to predict the effect of sequence changes on RNA splicing suggest that this variant may disrupt the consensus splice site. In summary, the currently available evidence indicates that the variant is pathogenic, but additional data are needed to prove that conclusively. Therefore, this variant has been classified as Likely Pathogenic.

Literature cited by the submitters: PubMed 16199547; PubMed 30773277.